The following is an entry in ClinVar:

ClinVar aggregate classification (germline): Conflicting classifications of pathogenicity. Review status: criteria provided, conflicting classifications (1 of 4 stars). 2 submissions from 2 submitters: Uncertain significance (1); Likely benign (1). Last evaluated 2025-04-07.

Conditions:
Hereditary cancer-predisposing syndrome. Also called: Hereditary Cancer Syndrome; Neoplastic Syndromes, Hereditary; Tumor predisposition; Hereditary neoplastic syndrome. Identifiers: Orphanet 140162, MedGen C0027672, MeSH D009386, MONDO:0015356.
Hereditary diffuse gastric adenocarcinoma (HDGC). Also called: DIFFUSE GASTRIC AND LOBULAR BREAST CANCER SYNDROME. Identifiers: Orphanet 26106, MedGen C1708349, MONDO:0007648, OMIM 137215.

Submissions (2):

Ambry Genetics
Classification: Likely benign for Hereditary cancer-predisposing syndrome. Last evaluated: 2025-04-07. Review status: criteria provided, single submitter. Criteria: Ambry Variant Classification Scheme 2023. Collection method: clinical testing. Allele origin: germline.

Labcorp Genetics (formerly Invitae), Labcorp
Classification: Uncertain significance for Hereditary diffuse gastric adenocarcinoma. Last evaluated: 2022-08-16. Review status: criteria provided, single submitter. Criteria: Invitae Variant Classification Sherloc (09022015). Collection method: clinical testing. Allele origin: germline.
Comment: This variant is not present in population databases (gnomAD no frequency). This sequence change replaces threonine, which is neutral and polar, with asparagine, which is neutral and polar, at codon 295 of the CDH1 protein (p.Thr295Asn). This variant has not been reported in the literature in individuals affected with CDH1-related conditions. In summary, the available evidence is currently insufficient to determine the role of this variant in disease. Therefore, it has been classified as a Variant of Uncertain Significance. Algorithms developed to predict the effect of missense changes on protein structure and function are either unavailable or do not agree on the potential impact of this missense change (SIFT: "Deleterious"; PolyPhen-2: "Probably Damaging"; Align-GVGD: "Class C0"). ClinVar contains an entry for this variant (Variation ID: 188256).

NM_004360.5(CDH1):c.884C>A (p.Thr295Asn)

Gene: CDH1 (cadherin 1; plus strand). Cytogenetic location: 16q22.1.
Variant type: single nucleotide variant.
Coding change: c.884C>A on transcript NM_004360.5 (MANE Select); coding-DNA position 884, C replaced by A.
Protein change: p.Thr295Asn; replaces threonine 295 with asparagine.
Molecular consequence: missense variant. On other transcripts: 5 prime UTR variant (2).
Genome position (GRCh38, 1-based): chr16:68,811,735, C>A. VCF-style: chr16-68811735-C-A. GRCh37 (hg19) VCF-style: chr16-68845638-C-A.
Other names: c.884C>A, p.Thr295Asn (NM_001317184.2); c.-732C>A (NM_001317185.2); c.-936C>A (NM_001317186.2); c.884C>A (LRG_301t1); short protein forms T295N.
Identifiers: ClinVar variation 188256 (VCV000188256.16), dbSNP rs786204179, ClinGen allele CA334453.